The following continues an entry in ClinVar:

NM_000051.4(ATM):c.1595G>A (p.Cys532Tyr)

Gene: ATM. ClinVar aggregate classification (germline): Conflicting classifications of pathogenicity. Uncertain significance (7); Likely benign (13).

Submissions 13 to 23 of 23:

Hereditary Cancer Laboratory, Hospital Universitario 12 de Octubre
Classification: Uncertain significance for Hereditary cancer-predisposing syndrome. Last evaluated: 2024-02-28. Review status: criteria provided, single submitter. Criteria: ACMG Guidelines, 2015. Collection method: clinical testing. Allele origin: germline.
Comment: BS1+PP3

Quest Diagnostics Nichols Institute San Juan Capistrano
Classification: Likely benign. Last evaluated: 2023-06-02. Review status: criteria provided, single submitter. Criteria: Quest Diagnostics criteria. Collection method: clinical testing. Allele origin: unknown.

CHEO Genetics Diagnostic Laboratory, Children's Hospital of Eastern Ontario
Classification: Likely benign for Breast and/or ovarian cancer. Last evaluated: 2023-04-05. Review status: criteria provided, single submitter. Criteria: ACMG Guidelines, 2015. Collection method: clinical testing. Allele origin: germline.

Genetic Services Laboratory, University of Chicago
Classification: Uncertain significance. Last evaluated: 2021-12-20. Review status: criteria provided, single submitter. Criteria: ACMG Guidelines, 2015. Collection method: clinical testing. Allele origin: germline. Affected: no.
Comment: DNA sequence analysis of the ATM gene demonstrated a sequence change, c.1595G>A, in exon 10 that results in an amino acid change, p.Cys532Tyr. This sequence change has been described in the gnomAD database with a frequency of 0.082% in the Latino/Admixed American subpopulation (dbSNP rs35963548). The p.Cys532Tyr change affects a moderately conserved amino acid residue located in a domain of the ATM protein that is not known to be functional. In-silico pathogenicity prediction tools (SIFT, PolyPhen2, Align GVGD, REVEL) provide contradictory results for the p.Cys532Tyr substitution. This sequence change has been previously described in individuals with different types of cancers, an individual with a history of aplastic anemia or idiopathic pulmonary fibrosis, as well as in healthy individuals (PMID: 29659569, 31780696, 30303537, 28779002, 7913932, 29514593, 30256826, 30995915, FLOSSIES database). Due to insufficient evidences and the lack of functional studies, the clinical significance of the p.Cys532Tyr change remains unknown at this time.

Laboratorio de Genetica e Diagnostico Molecular, Hospital Israelita Albert Einstein
Classification: Uncertain significance for Familial cancer of breast. Last evaluated: 2021-10-20. Review status: criteria provided, single submitter. Criteria: ACMG Guidelines, 2015. Collection method: clinical testing. Allele origin: germline. Affected: yes.
Comment: ACMG classification criteria: PS4 supporting

Ambry Genetics
Classification: Likely benign for Hereditary cancer-predisposing syndrome. Last evaluated: 2021-05-06. Review status: criteria provided, single submitter. Criteria: Ambry Variant Classification Scheme 2023. Collection method: clinical testing. Allele origin: germline.

Sema4
Classification: Likely benign for Hereditary cancer-predisposing syndrome. Last evaluated: 2020-12-28. Review status: criteria provided, single submitter. Criteria: Sema4 Curation Guidelines. Collection method: curation. Allele origin: germline.

Fulgent Genetics
Classification: Uncertain significance for Familial cancer of breast; Ataxia-telangiectasia syndrome. Last evaluated: 2017-05-23. Review status: criteria provided, single submitter. Criteria: ACMG Guidelines, 2015. Collection method: clinical testing. Allele origin: unknown.

ITMI
No classification provided. Condition: AllHighlyPenetrant. Last evaluated: 2013-09-19. Review status: no classification provided. Collection method: reference population. Allele origin: germline. Not counted in ClinVar's aggregate classification.
Comment: Please see associated publication for description of ethnicities

Department of Pathology and Laboratory Medicine, Sinai Health System
Classification: Likely benign for Malignant tumor of breast. Review status: no assertion criteria provided. Collection method: clinical testing. Allele origin: unknown. Affected: yes. Study: The Canadian Open Genetics Repository (COGR). Not counted in ClinVar's aggregate classification.
Comment: The ATM p.Cys532Tyr variant was identified in 1 of 13394 proband chromosomes (frequency: 0.00007) from individuals or families with breast cancer and in 5 of 7392 control chromosomes (frequency: 0.001) from healthy individuals (Bernstein_2010_20305132, Bodian_2014_24728327, Hirsch_2008_ 17333338, Renwick_2006_16832357, Tavtigian_2009_19781682). In a study of ATM alterations in mantle cell lymphoma, the variant was identified in the tumours and normal tissue of affected individuals; in addition, healthy blood donors were found to carry the variant at frequencies similar to those of tumor patients, the variant thereby considered a polymorphism found frequently in healthy populations (Camacho 2002 11756177). The variant was also identified in dbSNP (ID: rs35963548) as â€šÃ„ÃºWith Uncertain significance alleleâ€šÃ„Ã¹, ClinVar (classified with conflicting interpretations of pathogenicity: likely benign by Laboratory Corporation of America; uncertain significance by Invitae, Ambry Genetics, GeneDx, Fulgent Genetics; and classification not provided by ITMI), and Clinvitae (4x), and not in COGR, Cosmic, MutDB, and LOVD 3.0. The variant was identified in control databases in 66 of 276820 chromosomes at a frequency of 0.0002 increasing the likelihood this could be a low frequency benign variant (Genome Aggregation Database Feb 27, 2017). It was observed in the following populations: African in 2 of 24016 chromosomes (freq: 0.00008), Other in 10 of 6456 chromosomes (freq: 0.002), Latino in 27 of 34412 chromosomes (freq: 0.0008), and European Non-Finnish in 27 of 126410 chromosomes (freq: 0.0002), but not in the Ashkenazi Jewish, East Asian, European Finnish, and South Asian populations. The p.Cys532 residue is conserved in mammals but not in more distantly related organisms, and four out of five computational analyses (PolyPhen-2, SIFT, AlignGVGD, BLOSUM, MutationTaster) suggest that the Tyr variant may impact the protein; however, this information is not predictive enough to assume pathogenicity. The variant occurs outside of the splicing consensus sequence and in silico or computational prediction software programs (SpliceSiteFinder, MaxEntScan, NNSPLICE, GeneSplicer, HumanSpliceFinder) do not predict a difference in splicing. In summary, based on the above information the clinical significance of this variant cannot be determined with certainty at this time although we would lean towards a more benign role for this variant. This variant is classified as likely benign.

Molecular Oncology -  Human Genetics Lab, University of Sao Paulo
Classification: Uncertain significance for Hepatoblastoma. Review status: no assertion criteria provided. Collection method: research. Allele origin: germline. Affected: yes. Not counted in ClinVar's aggregate classification.

Literature cited by the submitters: PubMed 24728327 (cited by Women's Health and Genetics/Laboratory Corporation of America, LabCorp and ITMI); PubMed 19781682 (cited by Women's Health and Genetics/Laboratory Corporation of America, LabCorp and Quest Diagnostics Nichols Institute San Juan Capistrano); PubMed 20305132 (cited by Women's Health and Genetics/Laboratory Corporation of America, LabCorp and Quest Diagnostics Nichols Institute San Juan Capistrano); PubMed 17333338 (cited by Women's Health and Genetics/Laboratory Corporation of America, LabCorp and Quest Diagnostics Nichols Institute San Juan Capistrano); PubMed 16832357 (cited by Women's Health and Genetics/Laboratory Corporation of America, LabCorp and Quest Diagnostics Nichols Institute San Juan Capistrano); PubMed 26689913 (cited by Women's Health and Genetics/Laboratory Corporation of America, LabCorp and Quest Diagnostics Nichols Institute San Juan Capistrano); PubMed 11756177 (cited by Women's Health and Genetics/Laboratory Corporation of America, LabCorp and Ambry Genetics); PubMed 27913932 (cited by Women's Health and Genetics/Laboratory Corporation of America, LabCorp and Quest Diagnostics Nichols Institute San Juan Capistrano); PubMed 26837699 (cited by Women's Health and Genetics/Laboratory Corporation of America, LabCorp and Quest Diagnostics Nichols Institute San Juan Capistrano); PubMed 30303537 (cited by Women's Health and Genetics/Laboratory Corporation of America, LabCorp and Quest Diagnostics Nichols Institute San Juan Capistrano); PubMed 31780696 (cited by Women's Health and Genetics/Laboratory Corporation of America, LabCorp and Quest Diagnostics Nichols Institute San Juan Capistrano); PubMed 33128190 (cited by Women's Health and Genetics/Laboratory Corporation of America, LabCorp and Quest Diagnostics Nichols Institute San Juan Capistrano); PubMed 34262154 (cited by Women's Health and Genetics/Laboratory Corporation of America, LabCorp and Quest Diagnostics Nichols Institute San Juan Capistrano); PubMed 35980532 (cited by Women's Health and Genetics/Laboratory Corporation of America, LabCorp); PubMed 37436117 (cited by Women's Health and Genetics/Laboratory Corporation of America, LabCorp); PubMed 25085752 (cited by Myriad Genetics, Inc.); PubMed 29659569 (cited by Quest Diagnostics Nichols Institute San Juan Capistrano); PubMed 28779002 (cited by Quest Diagnostics Nichols Institute San Juan Capistrano); PubMed 29522266 (cited by Quest Diagnostics Nichols Institute San Juan Capistrano); PubMed 30256826 (cited by Quest Diagnostics Nichols Institute San Juan Capistrano); PubMed 33436325 (cited by Quest Diagnostics Nichols Institute San Juan Capistrano); PubMed 35264596 (cited by Quest Diagnostics Nichols Institute San Juan Capistrano); PubMed 35495172 (cited by Quest Diagnostics Nichols Institute San Juan Capistrano); PubMed 33359728 (cited by Quest Diagnostics Nichols Institute San Juan Capistrano); PubMed 30995915 (cited by Quest Diagnostics Nichols Institute San Juan Capistrano); PubMed 32325837 (cited by Quest Diagnostics Nichols Institute San Juan Capistrano); PubMed 34646395 (cited by Quest Diagnostics Nichols Institute San Juan Capistrano).